The following is an entry in ClinVar:

NM_024753.5(TTC21B):c.3264-3C>G

Gene: TTC21B (tetratricopeptide repeat domain 21B; minus strand). Cytogenetic location: 2q24.3.
Variant type: single nucleotide variant.
Coding change: c.3264-3C>G on transcript NM_024753.5 (MANE Select); 3 bases into the intron before coding-DNA position 3264, C replaced by G.
Molecular consequence: intron variant.
Genome position (GRCh38, 1-based): chr2:165,888,477, G>C on the plus strand (C>G on the coding strand, the complement: TTC21B is on the minus strand). VCF-style: chr2-165888477-G-C. GRCh37 (hg19) VCF-style: chr2-166744987-G-C.
Other names: c.3264-3C>G (NM_024753.4).
Identifiers: ClinVar variation 195908 (VCV000195908.16), dbSNP rs189122492, ClinGen allele CA242578.

ClinVar aggregate classification (germline): Conflicting classifications of pathogenicity. Review status: criteria provided, conflicting classifications (1 of 4 stars). 8 submissions from 8 submitters: Likely pathogenic (2); Uncertain significance (6). Last evaluated 2026-08-06.

Conditions:
Jeune thoracic dystrophy. Also called: Jeune syndrome; Infantile thoracic dystrophy; Thoracic pelvic phalangeal dystrophy; Jeune's syndrome; Chondroectodermal dysplasia-like syndrome; Short-rib thoracic dysplasia. Identifiers: Orphanet 474, MedGen C0265275, MONDO:0018770.
Nephronophthisis. Also called: Juvenile Nephronophthisis. Identifiers: Orphanet 655, MedGen C0687120, MONDO:0019005, HP:0000090.
TTC21B-related disorder. Also called: TTC21B-related condition; TTC21B-related disorders.
Asphyxiating thoracic dystrophy 4 (SRTD4). Also called: SHORT-RIB THORACIC DYSPLASIA 4 WITH OR WITHOUT POLYDACTYLY; SHORT-RIB THORACIC DYSPLASIA 4. Identifiers: Orphanet 474, MedGen C3151185, MONDO:0013441, OMIM 613819.
Nephronophthisis 12 (NPHP12). Identifiers: Orphanet 655, MedGen C3151186, MONDO:0013442, OMIM 613820.

Allele frequency attached by ClinVar (database versions not stated): gnomAD 0.00003 and 0.00004; TOPMed 0.00002; 1000 Genomes Project 0.00020; 1000 Genomes Project 30x 0.00031.
gnomAD v4.1: 33 of 1,605,418 alleles (0.0021%); highest among the groups gnomAD compares: Admixed American, 0.037%; no homozygotes.

Submissions (8):

OLLIN Analises Genomicas, OLLIN
Classification: Uncertain significance for Asphyxiating thoracic dystrophy 4. Last evaluated: 2026-08-06. Review status: criteria provided, single submitter. Criteria: ACMG Guidelines 2015 PMID 25741868. Collection method: clinical testing. Allele origin: germline. Inheritance: Autosomal dominant inheritance.
Comment: This variant, has been reported in ClinVar (accession VCV000195908.14), in gnomAD with an allele frequency of 0.00206%, and in the scientific literature, segregating with the phenotype, in individuals with TTC21B related disorders (PMID: 21258341). According to the currently available evidence, this variant has been classified as uncertain significance (PM2_P, PP1, PP3).

PreventionGenetics, part of Exact Sciences
Classification: Uncertain significance for TTC21B-related condition. Last evaluated: 2026-06-15. Review status: criteria provided, single submitter. Criteria: ACMG Guidelines, 2015. Collection method: clinical testing. Allele origin: germline.
Comment: The TTC21B c.3264-3C>G variant is predicted to interfere with splicing. This variant, and a second missense variant in TTC21B, were reported in two individuals with nephronophthisis (Davis et al. 2011. PubMed ID: 21258341; Table S1, Petzold et al. 2023. PubMed ID: 37230223). This variant is reported in 0.051% of alleles in individuals of Latino descent in gnomAD. Although we suspect that this variant may be pathogenic, at this time, the clinical significance of this variant is uncertain due to the absence of conclusive functional and genetic evidence.

Dasa
Classification: Uncertain significance. Last evaluated: 2025-06-16. Review status: criteria provided, single submitter. Criteria: DASA Assertion Criteria. Collection method: clinical testing. Allele origin: germline.
Comment: NM_024753.5(TTC21B):c.3264-3C>G is a splice-region variant. This variant is rare in population databases. Computational prediction algorithms are consistent with a deleterious effect. The currently available literature and clinical evidence are not sufficient to establish a definitive association between this variant and the reported condition. Therefore, this variant is classified as a variant of uncertain significance.

Fulgent Genetics
Classification: Likely pathogenic for Asphyxiating thoracic dystrophy 4; Nephronophthisis 12. Last evaluated: 2024-02-24. Review status: criteria provided, single submitter. Criteria: ACMG Guidelines, 2015. Collection method: clinical testing. Allele origin: germline.

GeneDx
Classification: Uncertain significance. Last evaluated: 2023-07-19. Review status: criteria provided, single submitter. Criteria: GeneDx Variant Classification Process June 2021. Collection method: clinical testing. Allele origin: germline. Affected: yes.
Comment: In silico analysis supports a deleterious effect on splicing; This variant is associated with the following publications: (PMID: 25525159, 35289079, 32714622, 21258341, 28124483)

Baylor Genetics
Classification: Likely pathogenic for Nephronophthisis 12. Last evaluated: 2023-01-06. Review status: criteria provided, single submitter. Criteria: ACMG Guidelines, 2015. Collection method: clinical testing. Allele origin: unknown.

Labcorp Genetics (formerly Invitae), Labcorp
Classification: Uncertain significance for Jeune thoracic dystrophy; Nephronophthisis. Last evaluated: 2022-10-13. Review status: criteria provided, single submitter. Criteria: Invitae Variant Classification Sherloc (09022015). Collection method: clinical testing. Allele origin: germline.
Comment: This sequence change falls in intron 24 of the TTC21B gene. It does not directly change the encoded amino acid sequence of the TTC21B protein. It affects a nucleotide within the consensus splice site. This variant is present in population databases (rs189122492, gnomAD 0.04%). This variant has been observed in individual(s) with a nephronopthisis-related ciliopathy (PMID: 21258341). It has also been observed to segregate with disease in related individuals. ClinVar contains an entry for this variant (Variation ID: 195908). Variants that disrupt the consensus splice site are a relatively common cause of aberrant splicing (PMID: 17576681, 9536098). Algorithms developed to predict the effect of sequence changes on RNA splicing suggest that this variant may disrupt the consensus splice site. In summary, the available evidence is currently insufficient to determine the role of this variant in disease. Therefore, it has been classified as a Variant of Uncertain Significance.

Eurofins Ntd Llc (ga)
Classification: Uncertain significance. Last evaluated: 2014-06-27. Review status: criteria provided, single submitter. Criteria: EGL Classification Definitions 2015. Collection method: clinical testing. Allele origin: germline. Observed: 1 variant allele, 1 heterozygote.

Literature cited by the submitters: PubMed 21258341 (cited by 3 submitters); PubMed 17576681 (cited by Labcorp Genetics (formerly Invitae), Labcorp); PubMed 9536098 (cited by Labcorp Genetics (formerly Invitae), Labcorp).